The following is an entry in ClinVar:

NM_004725.4(BUB3):c.158A>G (p.Tyr53Cys)

Gene: BUB3 (BUB3 mitotic checkpoint protein; plus strand). Cytogenetic location: 10q26.13.
Variant type: single nucleotide variant.
Coding change: c.158A>G on transcript NM_004725.4 (MANE Select); coding-DNA position 158, A replaced by G.
Protein change: p.Tyr53Cys; replaces tyrosine 53 with cysteine.
Molecular consequence: missense variant.
Genome position (GRCh38, 1-based): chr10:123,155,075, A>G. VCF-style: chr10-123155075-A-G. GRCh37 (hg19) VCF-style: chr10-124914591-A-G.
Other names: c.158A>G, p.Tyr53Cys (NM_001007793.3); short protein forms Y53C.
Identifiers: ClinVar variation 1775868 (VCV001775868.3), dbSNP rs780099302, ClinGen allele CA5731504.

ClinVar aggregate classification (germline): Uncertain significance (1 of 4 stars; one submission).

Allele frequency attached by ClinVar (database versions not stated): gnomAD exomes below 0.00001; TOPMed below 0.00001; ExAC 0.00001.
gnomAD v4.1: 2 of 1,614,096 alleles (0.00012%); highest among the groups gnomAD compares: Non-Finnish European, 0.000085%; no homozygotes.

Submission:

Ambry Genetics
Classification: Uncertain significance. Last evaluated: 2024-11-05. Review status: criteria provided, single submitter. Criteria: Ambry Variant Classification Scheme 2023. Collection method: clinical testing. Allele origin: germline.
Comment: The p.Y53C variant (also known as c.158A>G), located in coding exon 1 of the BUB3 gene, results from an A to G substitution at nucleotide position 158. The tyrosine at codon 53 is replaced by cysteine, an amino acid with highly dissimilar properties. This amino acid position is conserved. In addition, this alteration is predicted to be deleterious by in silico analysis. Since supporting evidence is limited at this time, the clinical significance of this alteration remains unclear.